The following is an entry in ClinVar:

NM_000443.4(ABCB4):c.433C>G (p.Gln145Glu)

Gene: ABCB4 (ATP binding cassette subfamily B member 4; minus strand). Cytogenetic location: 7q21.12.
Variant type: single nucleotide variant.
Coding change: c.433C>G on transcript NM_000443.4 (MANE Select); coding-DNA position 433, C replaced by G.
Protein change: p.Gln145Glu; replaces glutamine 145 with glutamic acid.
Molecular consequence: missense variant.
Genome position (GRCh38, 1-based): chr7:87,453,047, G>C on the plus strand (C>G on the coding strand, the complement: ABCB4 is on the minus strand). VCF-style: chr7-87453047-G-C. GRCh37 (hg19) VCF-style: chr7-87082363-G-C.
Other names: c.433C>G, p.Gln145Glu (NM_018849.3, NM_018850.3); short protein forms Q145E.
Identifiers: ClinVar variation 3655908 (VCV003655908.2).
Genomic context (GRCh38, chr7:87,453,047, plus strand): 5'-ACCATCCTATTTCCTGTCGTAGAATAGCATGAAAAAACTTCTGCCTAATTTTCCTGATCT[G>C]TCGACCAGCTGCCAAAGTCCAAAATGAAACTTGTATATAGGCAGCAACAAGAACTCCAGC-3'
Protein context (NP_000434.1, residues 135-155): VSFWTLAAGR[Gln145Glu]IRKIRQKFFH

ClinVar aggregate classification (germline): Uncertain significance (1 of 4 stars; one submission).

Submission:

Labcorp Genetics (formerly Invitae), Labcorp
Classification: Uncertain significance. Last evaluated: 2024-06-08. Review status: criteria provided, single submitter. Criteria: Invitae Variant Classification Sherloc (09022015). Collection method: clinical testing. Allele origin: germline.
Comment: This sequence change replaces glutamine, which is neutral and polar, with glutamic acid, which is acidic and polar, at codon 145 of the ABCB4 protein (p.Gln145Glu). This variant is not present in population databases (gnomAD no frequency). This variant has not been reported in the literature in individuals affected with ABCB4-related conditions. Advanced modeling of protein sequence and biophysical properties (such as structural, functional, and spatial information, amino acid conservation, physicochemical variation, residue mobility, and thermodynamic stability) has been performed at Invitae for this missense variant, however the output from this modeling did not meet the statistical confidence thresholds required to predict the impact of this variant on ABCB4 protein function. In summary, the available evidence is currently insufficient to determine the role of this variant in disease. Therefore, it has been classified as a Variant of Uncertain Significance.